The following is an entry in ClinVar:

ClinVar aggregate classification (germline): Uncertain significance. Review status: criteria provided, multiple submitters, no conflicts (2 of 4 stars). 2 submissions from 2 submitters: Uncertain significance (2). Last evaluated 2024-02-24.

Conditions:
Epilepsy, X-linked 1, with variable learning disabilities and behavior disorders. Also called: X-linked epilepsy-learning disabilities-behavior disorders syndrome. Identifiers: Orphanet 85294, MedGen C5774177, MONDO:0010339, OMIM 300491.

Allele frequency attached by ClinVar (database versions not stated): gnomAD exomes 0.00001; TOPMed 0.00002; gnomAD 0.00003.

Submissions (2):

Labcorp Genetics (formerly Invitae), Labcorp
Classification: Uncertain significance for Epilepsy, X-linked 1, with variable learning disabilities and behavior disorders. Last evaluated: 2024-02-24. Review status: criteria provided, single submitter. Criteria: Invitae Variant Classification Sherloc (09022015). Collection method: clinical testing. Allele origin: germline.
Comment: This sequence change replaces glutamic acid, which is acidic and polar, with lysine, which is basic and polar, at codon 144 of the SYN1 protein (p.Glu144Lys). This variant is present in population databases (rs771860069, gnomAD 0.002%). This missense change has been observed in individual(s) with clinical features of X-linked epilepsy with variable learning disabilities and behavior disorders (Invitae). ClinVar contains an entry for this variant (Variation ID: 449262). An algorithm developed to predict the effect of missense changes on protein structure and function (PolyPhen-2) suggests that this variant is likely to be disruptive. In summary, the available evidence is currently insufficient to determine the role of this variant in disease. Therefore, it has been classified as a Variant of Uncertain Significance.

GeneDx
Classification: Uncertain significance. Last evaluated: 2023-02-14. Review status: criteria provided, single submitter. Criteria: GeneDx Variant Classification Process June 2021. Collection method: clinical testing. Allele origin: germline. Affected: yes.
Comment: In silico analysis supports that this missense variant has a deleterious effect on protein structure/function; Has not been previously published as pathogenic or benign to our knowledge

NM_006950.3(SYN1):c.430G>A (p.Glu144Lys)

Gene: SYN1 (synapsin I; minus strand). Cytogenetic location: Xp11.23.
Variant type: single nucleotide variant.
Coding change: c.430G>A on transcript NM_006950.3 (MANE Select); coding-DNA position 430, G replaced by A.
Protein change: p.Glu144Lys; replaces glutamic acid 144 with lysine.
Molecular consequence: missense variant.
Genome position (GRCh38, 1-based): chrX:47,607,146, C>T on the plus strand (G>A on the coding strand, the complement: SYN1 is on the minus strand). VCF-style: chrX-47607146-C-T. GRCh37 (hg19) VCF-style: chrX-47466545-C-T.
Other names: c.430G>A, p.Glu144Lys (NM_133499.2); short protein forms E144K.
Identifiers: ClinVar variation 449262 (VCV000449262.11), dbSNP rs771860069, ClinGen allele CA329056693.
Genomic context (GRCh38, chrX:47,607,146, plus strand): 5'-CCACTCAGTTTGCAGTATGGACAACTGACCCCCAGGTCCAAATGTCCCAACTTACCTGTT[C>T]TACTTTAATGTCAATTTCTCCATGGATCTTTTTCCCTTTGAAGTATTTTGCCCTGGAGAG-3'
Protein context (NP_008881.2, residues 134-154): KIHGEIDIKV[Glu144Lys]QAEFSDLNLV